The following is an entry in ClinVar:

NM_014915.3(ANKRD26):c.2645A>G (p.His882Arg)

Gene: ANKRD26 (ankyrin repeat domain containing 26; minus strand). Cytogenetic location: 10p12.1.
Variant type: single nucleotide variant.
Coding change: c.2645A>G on transcript NM_014915.3 (MANE Select); coding-DNA position 2645, A replaced by G.
Protein change: p.His882Arg; replaces histidine 882 with arginine.
Molecular consequence: missense variant.
Genome position (GRCh38, 1-based): chr10:27,037,238, T>C on the plus strand (A>G on the coding strand, the complement: ANKRD26 is on the minus strand). VCF-style: chr10-27037238-T-C. GRCh37 (hg19) VCF-style: chr10-27326167-T-C.
Other names: c.2642A>G, p.His881Arg (NM_001256053.2); short protein forms H881R, H882R.
Identifiers: ClinVar variation 3868020 (VCV003868020.1).
Genomic context (GRCh38, chr10:27,037,238, plus strand): 5'-AGAAATACCTCAGAATTCATTTTCTTTTGAGCCATTTCAATCTCCTTTTGTTTGGAAAGG[T>C]GATTGGTCAGAATTCCATCTTGTAACATTCTGGCATTCTGTTCTCGAGAAAGTTGCCTCT-3'
Protein context (NP_055730.2, residues 872-892): RMLQDGILTN[His882Arg]LSKQKEIEMA

ClinVar aggregate classification (germline): Uncertain significance (1 of 4 stars; one submission).

Conditions:
Inborn genetic diseases. Identifiers: MedGen C0950123, MeSH D030342.

gnomAD v4.1: 4 of 1,613,648 alleles (0.00025%); highest among the groups gnomAD compares: Non-Finnish European, 0.00034%; no homozygotes.

Submission:

Ambry Genetics
Classification: Uncertain significance for Inborn genetic diseases. Last evaluated: 2025-01-05. Review status: criteria provided, single submitter. Criteria: Ambry Variant Classification Scheme 2023. Collection method: clinical testing. Allele origin: germline.
Comment: The p.H882R variant (also known as c.2645A>G), located in coding exon 23 of the ANKRD26 gene, results from an A to G substitution at nucleotide position 2645. The histidine at codon 882 is replaced by arginine, an amino acid with highly similar properties. This amino acid position is conserved. In addition, this alteration is predicted to be tolerated by in silico analysis. Based on the available evidence, the clinical significance of this variant remains unclear.